The following is an entry in ClinVar:

ClinVar aggregate classification (germline): Uncertain significance (1 of 4 stars; one submission).

Submission:

Labcorp Genetics (formerly Invitae), Labcorp
Classification: Uncertain significance. Last evaluated: 2023-03-22. Review status: criteria provided, single submitter. Criteria: Invitae Variant Classification Sherloc (09022015). Collection method: clinical testing. Allele origin: germline.
Comment: In summary, the available evidence is currently insufficient to determine the role of this variant in disease. Therefore, it has been classified as a Variant of Uncertain Significance. Advanced modeling of protein sequence and biophysical properties (such as structural, functional, and spatial information, amino acid conservation, physicochemical variation, residue mobility, and thermodynamic stability) performed at Invitae indicates that this missense variant is expected to disrupt POLE protein function. This variant has not been reported in the literature in individuals affected with POLE-related conditions. This variant is not present in population databases (gnomAD no frequency). This sequence change replaces glycine, which is neutral and non-polar, with cysteine, which is neutral and slightly polar, at codon 61 of the POLE protein (p.Gly61Cys).

NM_006231.4(POLE):c.181G>T (p.Gly61Cys)

Gene: POLE (DNA polymerase epsilon, catalytic subunit; minus strand). Cytogenetic location: 12q24.33.
Variant type: single nucleotide variant.
Coding change: c.181G>T on transcript NM_006231.4 (MANE Select); coding-DNA position 181, G replaced by T.
Protein change: p.Gly61Cys; replaces glycine 61 with cysteine.
Molecular consequence: missense variant.
Genome position (GRCh38, 1-based): chr12:132,681,161, C>A on the plus strand (G>T on the coding strand, the complement: POLE is on the minus strand). VCF-style: chr12-132681161-C-A. GRCh37 (hg19) VCF-style: chr12-133257747-C-A.
Other names: short protein forms G61C.
Identifiers: ClinVar variation 2848466 (VCV002848466.3), dbSNP rs2043158331, ClinGen allele CA387369743.
Genomic context (GRCh38, chr12:132,681,161, plus strand): 5'-GCCATATTCCTGGGTGGGAGAAGGACCTAGTGCTTACAGGATGCATGTTAATGAGCCAGC[C>A]TGTCTTCTCACCAGGCTCCTTCAGCCGCTCAAAACCAAACCGCAAATCCATCTTATCCGT-3'
Protein context (NP_006222.2, residues 51-71): ERLKEPGEKT[Gly61Cys]WLINMHPTEI